The following is an entry in ClinVar:

ClinVar aggregate classification (germline): Uncertain significance (1 of 4 stars; one submission).

gnomAD v4.1: 1 of 1,612,728 alleles (0.000062%); highest among the groups gnomAD compares: Non-Finnish European, 0.000085%; no homozygotes.

Submission:

Labcorp Genetics (formerly Invitae), Labcorp
Classification: Uncertain significance. Last evaluated: 2021-02-17. Review status: criteria provided, single submitter. Criteria: Invitae Variant Classification Sherloc (09022015). Collection method: clinical testing. Allele origin: germline.
Comment: In summary, the available evidence is currently insufficient to determine the role of this variant in disease. Therefore, it has been classified as a Variant of Uncertain Significance. Algorithms developed to predict the effect of missense changes on protein structure and function are either unavailable or do not agree on the potential impact of this missense change (SIFT: "Deleterious"; PolyPhen-2: "Not Available"; Align-GVGD: "Class C0"). This variant has not been reported in the literature in individuals with CDH23-related conditions. This variant is not present in population databases (ExAC no frequency). This sequence change replaces leucine with phenylalanine at codon 2544 of the CDH23 protein (p.Leu2544Phe). The leucine residue is highly conserved and there is a small physicochemical difference between leucine and phenylalanine.

NM_022124.6(CDH23):c.7632G>C (p.Leu2544Phe)

Gene: CDH23 (cadherin related 23; plus strand). Cytogenetic location: 10q22.1.
Variant type: single nucleotide variant.
Coding change: c.7632G>C on transcript NM_022124.6 (MANE Select); coding-DNA position 7632, G replaced by C.
Protein change: p.Leu2544Phe; replaces leucine 2544 with phenylalanine.
Molecular consequence: missense variant.
Genome position (GRCh38, 1-based): chr10:71,803,047, G>C. VCF-style: chr10-71803047-G-C. GRCh37 (hg19) VCF-style: chr10-73562804-G-C.
Other names: c.912G>C, p.Leu304Phe (NM_001171933.1, NM_001171934.1); short protein forms L2544F, L304F.
Identifiers: ClinVar variation 1511021 (VCV001511021.8), dbSNP rs775191895, ClinGen allele CA377160897.